The following is an entry in ClinVar:

ClinVar aggregate classification (germline): Uncertain significance (1 of 4 stars; one submission).

Conditions:
Cardiovascular phenotype. Identifiers: MedGen CN230736.

Allele frequency attached by ClinVar (database versions not stated): gnomAD exomes below 0.00001; ExAC 0.00002.
gnomAD v4.1: 3 of 1,613,904 alleles (0.00019%); highest among the groups gnomAD compares: South Asian, 0.0033%; no homozygotes.

Submission:

Ambry Genetics
Classification: Uncertain significance for Cardiovascular phenotype. Last evaluated: 2023-07-10. Review status: criteria provided, single submitter. Criteria: Ambry Variant Classification Scheme 2023. Collection method: clinical testing. Allele origin: germline.
Comment: The p.G1766D variant (also known as c.5297G>A), located in coding exon 37 of the LAMA4 gene, results from a G to A substitution at nucleotide position 5297. The glycine at codon 1766 is replaced by aspartic acid, an amino acid with similar properties. This amino acid position is conserved. In addition, this alteration is predicted to be deleterious by in silico analysis. Since supporting evidence is limited at this time, the clinical significance of this alteration remains unclear.

NM_001105206.3(LAMA4):c.5318G>A (p.Gly1773Asp)

Gene: LAMA4 (laminin subunit alpha 4; minus strand). Cytogenetic location: 6q21.
Variant type: single nucleotide variant.
Coding change: c.5318G>A on transcript NM_001105206.3 (MANE Select); coding-DNA position 5318, G replaced by A.
Protein change: p.Gly1773Asp; replaces glycine 1773 with aspartic acid.
Molecular consequence: missense variant.
Genome position (GRCh38, 1-based): chr6:112,114,084, C>T on the plus strand (G>A on the coding strand, the complement: LAMA4 is on the minus strand). VCF-style: chr6-112114084-C-T. GRCh37 (hg19) VCF-style: chr6-112435287-C-T.
Other names: c.5297G>A, p.Gly1766Asp (NM_001105207.3, NM_002290.5); short protein forms G1773D, G1766D.
Identifiers: ClinVar variation 2625032 (VCV002625032.2), dbSNP rs781826525, ClinGen allele CA3964750.
Genomic context (GRCh38, chr6:112,114,084, plus strand): 5'-TGAGAACTCAGTTTTTTGGATTGGGAACTTTTCCTTTTTAAACAACACTTACCTGGAACA[C>T]CTCCAACAAACACAGGCTCCCTGTGATCAATTGGTTTTGGATTCAGGGGTCCAACCACAT-3'
Protein context (NP_001098676.2, residues 1763-1783): IDHREPVFVG[Gly1773Asp]VPESLLTPRL